The following is an entry in ClinVar:

ClinVar aggregate classification (germline): Conflicting classifications of pathogenicity. Review status: criteria provided, conflicting classifications (1 of 4 stars). 3 submissions from 3 submitters: Likely pathogenic (1); Uncertain significance (1). 1 of the submissions does not count toward it. Last evaluated 2022-03-18.

Conditions:
Cernunnos-XLF deficiency (IMD124). Also called: NHEJ1 SYNDROME; SCID, AUTOSOMAL RECESSIVE, T CELL-NEGATIVE, B CELL-NEGATIVE, NK CELL-POSITIVE, WITH MICROCEPHALY, GROWTH RETARDATION, AND SENSITIVITY TO IONIZING RADIATION; Severe combined immunodeficiency with sensitivity to ionizing radiation due to NHEJ1 deficiency; SCID, autosomal recessive, T cell-negative, B cell-negative, NK cell-positive, and sensitivity to ionizing radiation due to NHEJ1 deficiency; IMMUNODEFICIENCY 124, SEVERE COMBINED. Identifiers: Orphanet 169079, MedGen C1969799, MONDO:0012650, OMIM 611291.

Allele frequency attached by ClinVar (database versions not stated): ExAC 0.00001; gnomAD 0.00001; TOPMed 0.00002.
gnomAD v4.1: 26 of 1,613,984 alleles (0.0016%); highest among the groups gnomAD compares: Non-Finnish European, 0.0022%; no homozygotes.

Submissions (3):

AiLife Diagnostics
Classification: Likely pathogenic. Last evaluated: 2022-03-18. Review status: criteria provided, single submitter. Criteria: ACMG Guidelines, 2015. Collection method: clinical testing. Allele origin: germline. Affected: yes. Observed: 1 variant allele.

Labcorp Genetics (formerly Invitae), Labcorp
Classification: Uncertain significance for Cernunnos-XLF deficiency. Last evaluated: 2022-03-03. Review status: criteria provided, single submitter. Criteria: Invitae Variant Classification Sherloc (09022015). Collection method: clinical testing. Allele origin: germline.
Comment: This sequence change replaces arginine, which is basic and polar, with glycine, which is neutral and non-polar, at codon 57 of the NHEJ1 protein (p.Arg57Gly). This variant is present in population databases (rs118204451, gnomAD 0.0009%). This missense change has been observed in individual(s) with NHEJ1-related conditions (PMID: 16439204, 20597108). ClinVar contains an entry for this variant (Variation ID: 981). Algorithms developed to predict the effect of missense changes on protein structure and function are either unavailable or do not agree on the potential impact of this missense change (SIFT: "Deleterious"; PolyPhen-2: "Probably Damaging"; Align-GVGD: "Class C0"). Experimental studies have shown that this missense change affects NHEJ1 function (PMID: 17317666). In summary, the available evidence is currently insufficient to determine the role of this variant in disease. Therefore, it has been classified as a Variant of Uncertain Significance.

OMIM
Classification: Pathogenic for IMMUNODEFICIENCY 124, SEVERE COMBINED. Last evaluated: 2006-01-27. Review status: no assertion criteria provided. Collection method: literature only. Allele origin: germline. Not counted in ClinVar's aggregate classification.

Literature cited by the submitters: PubMed 16439204 (cited by 3 submitters); PubMed 31589614 (cited by AiLife Diagnostics); PubMed 20597108 (cited by AiLife Diagnostics and Labcorp Genetics (formerly Invitae), Labcorp); PubMed 17317666 (cited by Labcorp Genetics (formerly Invitae), Labcorp).

NM_024782.3(NHEJ1):c.169C>G (p.Arg57Gly)

Gene: NHEJ1 (non-homologous end joining factor 1; minus strand). Cytogenetic location: 2q35.
Variant type: single nucleotide variant.
Coding change: c.169C>G on transcript NM_024782.3 (MANE Select); coding-DNA position 169, C replaced by G.
Protein change: p.Arg57Gly; replaces arginine 57 with glycine.
Molecular consequence: missense variant. On other transcripts: non-coding transcript variant (1).
Genome position (GRCh38, 1-based): chr2:219,158,194, G>C on the plus strand (C>G on the coding strand, the complement: NHEJ1 is on the minus strand). VCF-style: chr2-219158194-G-C. GRCh37 (hg19) VCF-style: chr2-220022916-G-C.
Other names: c.169C>G, p.Arg57Gly (NM_001377498.1, NM_001377499.1); short protein forms R57G.
Identifiers: ClinVar variation 981 (VCV000000981.8), dbSNP rs118204451, ClinGen allele CA114688.